The following is an entry in ClinVar:

NM_006180.6(NTRK2):c.2506A>G (p.Ile836Val)

Gene: NTRK2 (neurotrophic receptor tyrosine kinase 2; plus strand). Cytogenetic location: 9q21.33.
Variant type: single nucleotide variant.
Coding change: c.2506A>G on transcript NM_006180.6 (MANE Select); coding-DNA position 2506, A replaced by G.
Protein change: p.Ile836Val; replaces isoleucine 836 with valine.
Molecular consequence: missense variant.
Genome position (GRCh38, 1-based): chr9:85,021,426, A>G. VCF-style: chr9-85021426-A-G. GRCh37 (hg19) VCF-style: chr9-87636341-A-G.
Other names: c.2458A>G, p.Ile820Val (NM_001018064.3, NM_001369532.1, NM_001369533.1); c.2422A>G, p.Ile808Val (NM_001369534.1); c.1990A>G, p.Ile664Val (NM_001369535.1); c.2038A>G, p.Ile680Val (NM_001369536.1); short protein forms I808V, I836V, I680V, I664V, I820V.
Identifiers: ClinVar variation 3881432 (VCV003881432.2).

ClinVar aggregate classification (germline): Uncertain significance. Review status: criteria provided, multiple submitters, no conflicts (2 of 4 stars). 2 submissions from 2 submitters: Uncertain significance (2). Last evaluated 2025-04-21.

Conditions:
Inborn genetic diseases. Identifiers: MedGen C0950123, MeSH D030342.

gnomAD v4.1: 1 of 1,614,034 alleles (0.000062%); highest among the groups gnomAD compares: African/African-American, 0.0013%; no homozygotes.

Submissions (2):

Labcorp Genetics (formerly Invitae), Labcorp
Classification: Uncertain significance. Last evaluated: 2025-04-21. Review status: criteria provided, single submitter. Criteria: Invitae Variant Classification Sherloc (09022015). Collection method: clinical testing. Allele origin: germline.
Comment: This sequence change replaces isoleucine, which is neutral and non-polar, with valine, which is neutral and non-polar, at codon 836 of the NTRK2 protein (p.Ile836Val). This variant is present in population databases (no rsID available, gnomAD 0.01%). This variant has not been reported in the literature in individuals affected with NTRK2-related conditions. An algorithm developed to predict the effect of missense changes on protein structure and function outputs the following: PolyPhen-2: "Benign". The valine amino acid residue is found in multiple mammalian species, which suggests that this missense change does not adversely affect protein function. In summary, the available evidence is currently insufficient to determine the role of this variant in disease. Therefore, it has been classified as a Variant of Uncertain Significance.

Ambry Genetics
Classification: Uncertain significance for Inborn genetic diseases. Last evaluated: 2025-01-18. Review status: criteria provided, single submitter. Criteria: Ambry Variant Classification Scheme 2023. Collection method: clinical testing. Allele origin: germline.